The following is an entry in ClinVar:

NM_000059.4(BRCA2):c.6875A>C (p.Glu2292Ala)

Gene: BRCA2 (BRCA2 DNA repair associated; plus strand). Cytogenetic location: 13q13.1.
Variant type: single nucleotide variant.
Coding change: c.6875A>C on transcript NM_000059.4 (MANE Select); coding-DNA position 6875, A replaced by C.
Protein change: p.Glu2292Ala; replaces glutamic acid 2292 with alanine.
Molecular consequence: missense variant.
Genome position (GRCh38, 1-based): chr13:32,344,591, A>C. VCF-style: chr13-32344591-A-C. GRCh37 (hg19) VCF-style: chr13-32918728-A-C.
Other names: short protein forms E2292A.
Identifiers: ClinVar variation 483054 (VCV000483054.18), dbSNP rs397507378, ClinGen allele CA6941010.

ClinVar aggregate classification (germline): Uncertain significance. Review status: criteria provided, multiple submitters, no conflicts (2 of 4 stars). 4 submissions from 4 submitters: Uncertain significance (4). Last evaluated 2025-12-21.

Conditions:
Hereditary breast ovarian cancer syndrome. Also called: Hereditary breast and ovarian cancer syndrome; Hereditary breast and ovarian cancer; Hereditary breast and ovarian cancer syndrome (HBOC); Breast and ovarian cancer; Hereditary breast and/or ovarian cancer syndrome; BRCA1- and BRCA2-Associated Hereditary Breast and Ovarian Cancer. Identifiers: Orphanet 145, MedGen C0677776, MeSH D061325, MONDO:0003582. Disease mechanism: loss of function.
Hereditary cancer-predisposing syndrome. Also called: Neoplastic Syndromes, Hereditary; Tumor predisposition; Hereditary Cancer Syndrome; Hereditary neoplastic syndrome. Identifiers: Orphanet 140162, MedGen C0027672, MeSH D009386, MONDO:0015356.

gnomAD v4.1: 3 of 1,577,410 alleles (0.00019%); highest among the groups gnomAD compares: East Asian, 0.0067%; no homozygotes.

Submissions (4):

Labcorp Genetics (formerly Invitae), Labcorp
Classification: Uncertain significance for Hereditary breast ovarian cancer syndrome. Last evaluated: 2025-12-21. Review status: criteria provided, single submitter. Criteria: Invitae Variant Classification Sherloc (09022015). Collection method: clinical testing. Allele origin: germline.
Comment: This sequence change replaces glutamic acid, which is acidic and polar, with alanine, which is neutral and non-polar, at codon 2292 of the BRCA2 protein (p.Glu2292Ala). This variant is present in population databases (rs397507378, gnomAD 0.01%). This missense change has been observed in individual(s) with breast cancer, ovarian cancer, and/or prostate cancer (PMID: 27124784, 27383479, 29752822, 29805665, 31825140, 31907386, 35534218). ClinVar contains an entry for this variant (Variation ID: 483054). Invitae Evidence Modeling of protein sequence and biophysical properties (such as structural, functional, and spatial information, amino acid conservation, physicochemical variation, residue mobility, and thermodynamic stability) indicates that this missense variant is not expected to disrupt BRCA2 protein function with a negative predictive value of 95%. Studies have shown that this missense change does not affect mRNA splicing (PMID: 32046981). In summary, the available evidence is currently insufficient to determine the role of this variant in disease. Therefore, it has been classified as a Variant of Uncertain Significance.

Ambry Genetics
Classification: Uncertain significance for Hereditary cancer-predisposing syndrome. Last evaluated: 2025-07-02. Review status: criteria provided, single submitter. Criteria: Ambry Variant Classification Scheme 2023. Collection method: clinical testing. Allele origin: germline.
Comment: The p.E2292A variant (also known as c.6875A>C), located in coding exon 11 of the BRCA2 gene, results from an A to C substitution at nucleotide position 6875. The glutamic acid at codon 2292 is replaced by alanine, an amino acid with dissimilar properties. This alteration has been reported in multiple Asian breast and ovarian cancer cohorts (Park KS et al. Genet. Med., 2016 12;18:1250-1257; Wei H et al. Oncol Lett, 2018 Jun;15:9420-9428; Lee EJ et al. Ann Clin Lab Sci, 2020 Jan;50:107-118). This alteration has also been reported in a prostate cancer cohort (So MK et al. Investig Clin Urol, 2022 May;63:294-300). This amino acid position is highly conserved in available vertebrate species. In addition, the in silico prediction for this alteration is inconclusive. Based on the available evidence, the clinical significance of this variant remains unclear.

Women's Health and Genetics/Laboratory Corporation of America, LabCorp
Classification: Uncertain significance. Last evaluated: 2025-01-07. Review status: criteria provided, single submitter. Criteria: LabCorp Variant Classification Summary - May 2015. Collection method: clinical testing. Allele origin: germline.
Comment: Variant summary: BRCA2 c.6875A>C (p.Glu2292Ala) results in a non-conservative amino acid change in the encoded protein sequence. Five of five in-silico tools predict a damaging effect of the variant on protein function. The variant allele was found at a frequency of 1.1e-05 in 271570 control chromosomes. The available data on variant occurrences in the general population are insufficient to allow any conclusion about variant significance. c.6875A>C has been reported in the literature in individuals with a personal or family history of breast, ovarian, or prostate cancer (e.g. Li_2019, Gao_2020, So_2022, Park_2016, Wei_2018, Davidson_2024). These report(s) do not provide unequivocal conclusions about association of the variant with Hereditary Breast And Ovarian Cancer Syndrome. One study reports that the variant has no impact splicing (Meulemans_2020). The following publications have been ascertained in the context of this evaluation (PMID: 39096911, 32467295, 31825140, 29752822, 32046981, 27124784, 35534218, 29805665). ClinVar contains an entry for this variant (Variation ID: 483054). Based on the evidence outlined above, the variant was classified as uncertain significance.

Color Diagnostics, LLC DBA Color Health
Classification: Uncertain significance for Hereditary cancer-predisposing syndrome. Last evaluated: 2020-03-03. Review status: criteria provided, single submitter. Criteria: ACMG Guidelines, 2015. Collection method: clinical testing. Allele origin: germline.
Comment: This missense variant replaces glutamic acid with alanine at codon 2292 of the BRCA2 protein. Computational prediction suggests that this variant may have deleterious impact on protein structure and function (internally defined REVEL score threshold >= 0.7, PMID: 27666373). Splice site prediction tools suggest that this variant may not impact RNA splicing. To our knowledge, functional studies have not been reported for this variant. This variant has been reported in two individuals at risk for familial breast and/or ovarian cancer (PMID: 27124784, 27383479) and an individual affected with bilateral triple-negative breast cancer (PMID: 29805665). This variant has been identified in 2/248798 chromosomes in the general population by the Genome Aggregation Database (gnomAD). The available evidence is insufficient to determine the role of this variant in disease conclusively. Therefore, this variant is classified as a Variant of Uncertain Significance.

Literature cited by the submitters: PubMed 27124784 (cited by 3 submitters); PubMed 27383479 (cited by Labcorp Genetics (formerly Invitae), Labcorp); PubMed 29752822 (cited by Labcorp Genetics (formerly Invitae), Labcorp and Women's Health and Genetics/Laboratory Corporation of America, LabCorp); PubMed 29805665 (cited by 3 submitters); PubMed 31825140 (cited by Labcorp Genetics (formerly Invitae), Labcorp and Women's Health and Genetics/Laboratory Corporation of America, LabCorp); PubMed 31907386 (cited by Labcorp Genetics (formerly Invitae), Labcorp); PubMed 35534218 (cited by 3 submitters); PubMed 32046981 (cited by Labcorp Genetics (formerly Invitae), Labcorp and Women's Health and Genetics/Laboratory Corporation of America, LabCorp); PubMed 32161019 (cited by Ambry Genetics); PubMed 32467295 (cited by Women's Health and Genetics/Laboratory Corporation of America, LabCorp); PubMed 39096911 (cited by Women's Health and Genetics/Laboratory Corporation of America, LabCorp).